The following is an entry in ClinVar:

ClinVar aggregate classification (germline): Uncertain significance (1 of 4 stars; one submission).

Conditions:
Myopathy, centronuclear, 2 (CNM2). Also called: MYOTUBULAR MYOPATHY, AUTOSOMAL RECESSIVE. Identifiers: Orphanet 169186, MedGen CN031787, MONDO:0009709, OMIM 255200.

Submission:

Labcorp Genetics (formerly Invitae), Labcorp
Classification: Uncertain significance for Myopathy, centronuclear, 2. Last evaluated: 2022-02-24. Review status: criteria provided, single submitter. Criteria: Invitae Variant Classification Sherloc (09022015). Collection method: clinical testing. Allele origin: germline.
Comment: ClinVar contains an entry for this variant (Variation ID: 1027093). This sequence change replaces threonine, which is neutral and polar, with lysine, which is basic and polar, at codon 10 of the BIN1 protein (p.Thr10Lys). This variant is not present in population databases (gnomAD no frequency). This variant has not been reported in the literature in individuals affected with BIN1-related conditions. Algorithms developed to predict the effect of missense changes on protein structure and function are either unavailable or do not agree on the potential impact of this missense change (SIFT: "Deleterious"; PolyPhen-2: "Possibly Damaging"; Align-GVGD: "Class C0"). In summary, the available evidence is currently insufficient to determine the role of this variant in disease. Therefore, it has been classified as a Variant of Uncertain Significance.

NM_139343.3(BIN1):c.29C>A (p.Thr10Lys)

Gene: BIN1 (bridging integrator 1; minus strand). Cytogenetic location: 2q14.3.
Variant type: single nucleotide variant.
Coding change: c.29C>A on transcript NM_139343.3 (MANE Select); coding-DNA position 29, C replaced by A.
Protein change: p.Thr10Lys; replaces threonine 10 with lysine.
Molecular consequence: missense variant.
Genome position (GRCh38, 1-based): chr2:127,106,915, G>T on the plus strand (C>A on the coding strand, the complement: BIN1 is on the minus strand). VCF-style: chr2-127106915-G-T. GRCh37 (hg19) VCF-style: chr2-127864491-G-T.
Other names: c.29C>A, p.Thr10Lys (NM_001320632.2, NM_001320633.2, NM_001320640.2 and 10 more transcripts); short protein forms T10K.
Identifiers: ClinVar variation 1027093 (VCV001027093.10), dbSNP rs1681237812, ClinGen allele CA348376283.